The following is an entry in ClinVar:

ClinVar aggregate classification (germline): Pathogenic/Likely pathogenic. Review status: criteria provided, multiple submitters, no conflicts (2 of 4 stars). 2 submissions from 2 submitters: Pathogenic (1); Likely pathogenic (1). Last evaluated 2026-07-31.

Conditions:
Familial cancer of breast. Also called: BREAST CANCER, FAMILIAL; Hereditary breast cancer; hereditary breast carcinoma. Identifiers: Orphanet 227535, MedGen C0346153, MONDO:0016419, OMIM 114480. Disease mechanism: loss of function.
Hereditary cancer-predisposing syndrome. Also called: Hereditary Cancer Syndrome; Hereditary neoplastic syndrome; Neoplastic Syndromes, Hereditary; Tumor predisposition. Identifiers: Orphanet 140162, MedGen C0027672, MeSH D009386, MONDO:0015356.

Submissions (2):

Ambry Genetics
Classification: Likely pathogenic for Hereditary cancer-predisposing syndrome. Last evaluated: 2026-07-31. Review status: criteria provided, single submitter. Criteria: Ambry Variant Classification Scheme 2023. Collection method: clinical testing. Allele origin: germline.
Comment: The c.320-2A>C intronic variant results from an A to C substitution two nucleotides upstream from coding exon 2 in the CHEK2 gene. This variant is considered to be rare based on population cohorts in the Genome Aggregation Database (gnomAD). This nucleotide position is highly conserved in available vertebrate species. In silico splice site analysis predicts that this alteration will weaken the native splice acceptor site and may result in the creation or strengthening of a novel splice acceptor site. Variants that disrupt the canonical splice site are expected to cause aberrant splicing, resulting in an abnormal protein or a transcript that is subject to nonsense-mediated mRNA decay. As such, this variant is classified as likely pathogenic.

Labcorp Genetics (formerly Invitae), Labcorp
Classification: Pathogenic for Familial cancer of breast. Last evaluated: 2025-04-10. Review status: criteria provided, single submitter. Criteria: Invitae Variant Classification Sherloc (09022015). Collection method: clinical testing. Allele origin: germline.
Comment: This sequence change affects an acceptor splice site in intron 2 of the CHEK2 gene. It is expected to disrupt RNA splicing. Variants that disrupt the donor or acceptor splice site typically lead to a loss of protein function (PMID: 16199547), and loss-of-function variants in CHEK2 are known to be pathogenic (PMID: 21876083, 24713400). This variant is not present in population databases (gnomAD no frequency). This variant has not been reported in the literature in individuals affected with CHEK2-related conditions. Studies have shown that disruption of this splice site alters mRNA splicing and is expected to lead to the loss of protein expression (PMID: 37725924). For these reasons, this variant has been classified as Pathogenic.

Literature cited by the submitters: PubMed 16199547 (cited by Labcorp Genetics (formerly Invitae), Labcorp); PubMed 21876083 (cited by Labcorp Genetics (formerly Invitae), Labcorp); PubMed 24713400 (cited by Labcorp Genetics (formerly Invitae), Labcorp); PubMed 37725924 (cited by Labcorp Genetics (formerly Invitae), Labcorp).

NM_007194.4(CHEK2):c.320-2A>C

Gene: CHEK2 (checkpoint kinase 2; minus strand). Cytogenetic location: 22q12.1.
Variant type: single nucleotide variant.
Coding change: c.320-2A>C on transcript NM_007194.4 (MANE Select); the canonical splice acceptor site of the intron before coding-DNA position 320, A replaced by C.
Molecular consequence: splice acceptor variant.
Genome position (GRCh38, 1-based): chr22:28,725,369, T>G on the plus strand (A>C on the coding strand, the complement: CHEK2 is on the minus strand). VCF-style: chr22-28725369-T-G. GRCh37 (hg19) VCF-style: chr22-29121357-T-G.
Other names: c.-344-2A>C (NM_001437942.1); c.320-2A>C (NM_001349956.3, NM_145862.3, NM_007194.3); c.-458-2A>C (NM_001257387.3); c.413-2A>C (NM_001438295.1, NM_001438293.1); c.449-2A>C (NM_001438294.1, NM_001005735.3).
Identifiers: ClinVar variation 4717034 (VCV004717034.2).
Genomic context (GRCh38, chr22:28,725,369, plus strand): 5'-ATCAAAGCAATATTCACAGCTTTTGTCCCTCCCAAACCAGTAGTTGTCATTCACACATTC[T>G]GTAATATAAAAGCATGCATCAGAGGGCTGTTGAATTTCATGTATCAAACGTTTAAAAATT-3'